The following is an entry in ClinVar:

ClinVar aggregate classification (germline): Uncertain significance (1 of 4 stars; one submission).

Conditions:
Costello syndrome (CSTLO). Also called: FCS SYNDROME; HRAS-Related Costello Syndrome; FACIOCUTANEOSKELETAL SYNDROME. Identifiers: Orphanet 3071, MedGen C0587248, MONDO:0009026, OMIM 218040.

Allele frequency attached by ClinVar (database versions not stated): gnomAD exomes below 0.00001.
gnomAD v4.1: 4 of 1,613,864 alleles (0.00025%); highest among the groups gnomAD compares: Non-Finnish European, 0.00034%; no homozygotes.

Submission:

Labcorp Genetics (formerly Invitae), Labcorp
Classification: Uncertain significance for Costello syndrome. Last evaluated: 2025-10-25. Review status: criteria provided, single submitter. Criteria: Invitae Variant Classification Sherloc (09022015). Collection method: clinical testing. Allele origin: germline.
Comment: This sequence change replaces methionine, which is neutral and non-polar, with threonine, which is neutral and polar, at codon 111 of the HRAS protein (p.Met111Thr). This variant is not present in population databases (gnomAD no frequency). This variant has not been reported in the literature in individuals affected with HRAS-related conditions. ClinVar contains an entry for this variant (Variation ID: 568861). Invitae Evidence Modeling incorporating data from in vitro experimental studies (internal data) indicates that this missense variant is not expected to disrupt HRAS function with a negative predictive value of 95%. In summary, the available evidence is currently insufficient to determine the role of this variant in disease. Therefore, it has been classified as a Variant of Uncertain Significance.

NM_005343.4(HRAS):c.332T>C (p.Met111Thr)

Genes: HRAS (HRas proto-oncogene, GTPase; minus strand), LRRC56 (leucine rich repeat containing 56; plus strand). Cytogenetic location: 11p15.5.
Variant type: single nucleotide variant.
Coding change: c.332T>C on transcript NM_005343.4 (MANE Select); coding-DNA position 332, T replaced by C.
Protein change: p.Met111Thr; replaces methionine 111 with threonine.
Molecular consequence: missense variant.
Genome position (GRCh38, 1-based): chr11:533,571, A>G on the plus strand (T>C on the coding strand, the complement: HRAS is on the minus strand). VCF-style: chr11-533571-A-G. GRCh37 (hg19) VCF-style: chr11-533571-A-G.
Other names: c.332T>C, p.Met111Thr (NM_001130442.3, NM_176795.5); c.13T>C, p.Trp5Arg (NM_001318054.2); short protein forms M111T, W5R.
Identifiers: ClinVar variation 568861 (VCV000568861.7), dbSNP rs1564789063, ClinGen allele CA378923596.